The following is an entry in ClinVar:

NM_014263.4(YME1L1):c.330T>C (p.Tyr110=)

Gene: YME1L1 (YME1 like 1 ATPase; minus strand). Cytogenetic location: 10p12.1.
Variant type: single nucleotide variant.
Coding change: c.330T>C on transcript NM_014263.4 (MANE Select); coding-DNA position 330, T replaced by C.
Protein change: p.Tyr110=; no amino-acid change (tyrosine 110 retained).
Molecular consequence: synonymous variant.
Genome position (GRCh38, 1-based): chr10:27,145,429, A>G on the plus strand (T>C on the coding strand, the complement: YME1L1 is on the minus strand). VCF-style: chr10-27145429-A-G. GRCh37 (hg19) VCF-style: chr10-27434358-A-G.
Other names: c.330T>C, p.Tyr110= (NM_001253866.2); c.501T>C, p.Tyr167= (NM_139312.3).
Identifiers: ClinVar variation 4709031 (VCV004709031.1).

ClinVar aggregate classification (germline): Uncertain significance (1 of 4 stars; one submission).

gnomAD v4.1: 7 of 1,600,434 alleles (0.00044%); highest among the groups gnomAD compares: South Asian, 0.0056%; no homozygotes.

Submission:

Labcorp Genetics (formerly Invitae), Labcorp
Classification: Uncertain significance. Last evaluated: 2025-02-23. Review status: criteria provided, single submitter. Criteria: Invitae Variant Classification Sherloc (09022015). Collection method: clinical testing. Allele origin: germline.
Comment: This sequence change affects codon 167 of the YME1L1 mRNA. It is a 'silent' change, meaning that it does not change the encoded amino acid sequence of the YME1L1 protein. It affects a nucleotide within the consensus splice site. This variant is present in population databases (rs778512163, gnomAD 0.01%). This variant has not been reported in the literature in individuals affected with YME1L1-related conditions. Algorithms developed to predict the effect of sequence changes on RNA splicing suggest that this variant is not likely to affect RNA splicing. In summary, the available evidence is currently insufficient to determine the role of this variant in disease. Therefore, it has been classified as a Variant of Uncertain Significance.